The following is an entry in ClinVar:

ClinVar aggregate classification (germline): Uncertain significance (1 of 4 stars; one submission).

Submission:

Labcorp Genetics (formerly Invitae), Labcorp
Classification: Uncertain significance. Last evaluated: 2021-10-15. Review status: criteria provided, single submitter. Criteria: Invitae Variant Classification Sherloc (09022015). Collection method: clinical testing. Allele origin: germline.
Comment: In summary, the available evidence is currently insufficient to determine the role of this variant in disease. Therefore, it has been classified as a Variant of Uncertain Significance. Algorithms developed to predict the effect of missense changes on protein structure and function are either unavailable or do not agree on the potential impact of this missense change (SIFT: "Not Available"; PolyPhen-2: "Benign"; Align-GVGD: "Not Available"). This variant has not been reported in the literature in individuals affected with UNC45A-related conditions. This variant is not present in population databases (ExAC no frequency). This sequence change replaces methionine with leucine at codon 369 of the UNC45A protein (p.Met369Leu). The methionine residue is moderately conserved and there is a small physicochemical difference between methionine and leucine.

NM_018671.5(UNC45A):c.1105A>T (p.Met369Leu)

Gene: UNC45A (unc-45 myosin chaperone A; plus strand). Cytogenetic location: 15q26.1.
Variant type: single nucleotide variant.
Coding change: c.1105A>T on transcript NM_018671.5 (MANE Select); coding-DNA position 1105, A replaced by T.
Protein change: p.Met369Leu; replaces methionine 369 with leucine.
Molecular consequence: missense variant.
Genome position (GRCh38, 1-based): chr15:90,944,969, A>T. VCF-style: chr15-90944969-A-T. GRCh37 (hg19) VCF-style: chr15-91488199-A-T.
Other names: c.1060A>T, p.Met354Leu (NM_001039675.2, NM_001323621.2); c.1105A>T, p.Met369Leu (NM_001323619.1); c.670A>T, p.Met224Leu (NM_001323620.2); short protein forms M224L, M369L, M354L.
Identifiers: ClinVar variation 1525827 (VCV001525827.6), dbSNP rs776137396, ClinGen allele CA393854928.